The following is an entry in ClinVar:

ClinVar aggregate classification (germline): Benign. Review status: reviewed by expert panel (3 of 4 stars). 2 submissions from 2 submitters: Benign (1). 1 of the submissions does not count toward it. Last evaluated 2015-01-12.

Conditions:
Breast-ovarian cancer, familial, susceptibility to, 2 (BROVCA2). Also called: BRCA2 Hereditary Breast and Ovarian Cancer. Identifiers: Orphanet 145, MedGen C2675520, MONDO:0012933, OMIM 612555. Disease mechanism: loss of function.

Allele frequency attached by ClinVar (database versions not stated): 1000 Genomes Project 30x 0.50859; TOPMed 0.51056; 1000 Genomes Project 0.51178.
gnomAD v4.1: 102,532 of 195,738 alleles (52%); highest among the groups gnomAD compares: East Asian, 58%; 26,918 homozygotes.

Submissions (2):

Evidence-based Network for the Interpretation of Germline Mutant Alleles (ENIGMA)
Classification: Benign for Breast-ovarian cancer, familial 2. Last evaluated: 2015-01-12. Review status: reviewed by expert panel. Criteria: ENIGMA BRCA1/2 Classification Criteria (2015). Collection method: curation. Allele origin: germline.
Comment: Class 1 not pathogenic based on frequency >1% in an outbred sampleset. Frequency 0.549 (Asian), 0.502 (African), 0.5383 (European), derived from 1000 genomes (2012-04-30).

Breakthrough Genomics
Classification: Benign. Review status: criteria provided, single submitter. Criteria: ACMG Guidelines, 2015. Collection method: not provided. Allele origin: germline. Inheritance: Autosomal recessive inheritance. Affected: yes. Not counted in ClinVar's aggregate classification.

NM_000059.4(BRCA2):c.9256+5557A>C

Gene: BRCA2 (BRCA2 DNA repair associated; plus strand). Cytogenetic location: 13q13.1.
Variant type: single nucleotide variant.
Coding change: c.9256+5557A>C on transcript NM_000059.4 (MANE Select); 5557 bases into the intron after coding-DNA position 9256, A replaced by C.
Molecular consequence: intron variant.
Genome position (GRCh38, 1-based): chr13:32,385,702, A>C. VCF-style: chr13-32385702-A-C. GRCh37 (hg19) VCF-style: chr13-32959839-A-C.
Other names: IVS 24+5557A>C.
Identifiers: ClinVar variation 209953 (VCV000209953.2), dbSNP rs2238163, ClinGen allele CA276920.
Genomic context (GRCh38, chr13:32,385,702, plus strand): 5'-TCACCTGTATTTCATCTTCAATCTGCTGTGGAACAAAAGCCCACATTTGAGGTTGCCTAT[A>C]TAGAACTGGCAGGAAAGTATATAGAAGCAGGCAATCACAGAAAAGCTGAAGACACTTTTC-3'